The following is an entry in ClinVar:

ClinVar aggregate classification (germline): Uncertain significance (1 of 4 stars; one submission).

Allele frequency attached by ClinVar (database versions not stated): gnomAD 0.00001; gnomAD exomes 0.00001; TOPMed 0.00002; ESP Exome Variant Server 0.00008.
gnomAD v4.1: 14 of 1,613,146 alleles (0.00087%); highest among the groups gnomAD compares: African/African-American, 0.0013%; no homozygotes.

Submission:

Greenwood Genetic Center Diagnostic Laboratories, Greenwood Genetic Center
Classification: Uncertain significance. Last evaluated: 2022-05-18. Review status: criteria provided, single submitter. Criteria: ACMG Guidelines, 2015. Collection method: clinical testing. Allele origin: germline. Affected: yes.
Comment: PM2 PP2

NM_006035.4(CDC42BPB):c.4168T>C (p.Tyr1390His)

Gene: CDC42BPB (CDC42 binding protein kinase beta; minus strand). Cytogenetic location: 14q32.32.
Variant type: single nucleotide variant.
Coding change: c.4168T>C on transcript NM_006035.4 (MANE Select); coding-DNA position 4168, T replaced by C.
Protein change: p.Tyr1390His; replaces tyrosine 1390 with histidine.
Molecular consequence: missense variant.
Genome position (GRCh38, 1-based): chr14:102,944,131, A>G on the plus strand (T>C on the coding strand, the complement: CDC42BPB is on the minus strand). VCF-style: chr14-102944131-A-G. GRCh37 (hg19) VCF-style: chr14-103410468-A-G.
Other names: short protein forms Y1390H.
Identifiers: ClinVar variation 1703058 (VCV001703058.3), dbSNP rs371972643, ClinGen allele CA267135586.